The following is an entry in ClinVar:

NM_004343.4(CALR):c.682C>T (p.Pro228Ser)

Genes: CALR (calreticulin; plus strand), LOC126862861 (MED14-independent group 3 enhancer GRCh37_chr19:13050707-13051906; plus strand). Cytogenetic location: 19p13.13.
Variant type: single nucleotide variant.
Coding change: c.682C>T on transcript NM_004343.4 (MANE Select); coding-DNA position 682, C replaced by T.
Protein change: p.Pro228Ser; replaces proline 228 with serine.
Molecular consequence: missense variant.
Genome position (GRCh38, 1-based): chr19:12,940,432, C>T. VCF-style: chr19-12940432-C-T. GRCh37 (hg19) VCF-style: chr19-13051246-C-T.
Other names: short protein forms P228S.
Identifiers: ClinVar variation 2649360 (VCV002649360.24), dbSNP rs149740908, ClinGen allele CA9235843.
Genomic context (GRCh38, chr19:12,940,432, plus strand): 5'-ATAAAGGATCCTGATGCTTCAAAACCGGAAGACTGGGATGAGCGGGCCAAGATCGATGAT[C>T]CCACAGACTCCAAGCCTGAGGTTGGTGTTTGGGCAGGGGCTCTGCTCTCCACATTGGAGG-3'
Protein context (NP_004334.1, residues 218-238): DWDERAKIDD[Pro228Ser]TDSKPEDWDK

ClinVar aggregate classification (germline): Benign. Review status: criteria provided, single submitter (1 of 4 stars). 2 submissions from 2 submitters: Benign (1). 1 of the submissions does not count toward it. Last evaluated 2023-12-01.

Conditions:
CALR-related disorder. Also called: CALR-related condition.

Allele frequency attached by ClinVar (database versions not stated): ESP Exome Variant Server 0.00038; TOPMed 0.00042; gnomAD 0.00043; 1000 Genomes Project 0.00100; 1000 Genomes Project 30x 0.00109; ExAC 0.00125.
gnomAD v4.1: 1,069 of 1,614,154 alleles (0.066%); highest among the groups gnomAD compares: South Asian, 0.67%; 16 homozygotes.

Submissions (2):

CeGaT Center for Human Genetics Tuebingen
Classification: Benign. Last evaluated: 2023-12-01. Review status: criteria provided, single submitter. Criteria: CeGaT Center For Human Genetics Tuebingen Variant Classification Criteria Version 2. Collection method: clinical testing. Allele origin: germline. Affected: yes. Observed: 2 variant alleles.
Comment: CALR: BS1, BS2

PreventionGenetics, part of Exact Sciences
Classification: Benign for CALR-related condition. Last evaluated: 2024-08-23. Review status: no assertion criteria provided. Collection method: clinical testing. Allele origin: germline. Not counted in ClinVar's aggregate classification.
Comment: This variant is classified as benign based on ACMG/AMP sequence variant interpretation guidelines (Richards et al. 2015 PMID: 25741868, with internal and published modifications).